The following is an entry in ClinVar:

NM_001330311.2(DVL1):c.555G>T (p.Glu185Asp)

Gene: DVL1 (dishevelled segment polarity protein 1; minus strand). Cytogenetic location: 1p36.33.
Variant type: single nucleotide variant.
Coding change: c.555G>T on transcript NM_001330311.2 (MANE Select); coding-DNA position 555, G replaced by T.
Protein change: p.Glu185Asp; replaces glutamic acid 185 with aspartic acid.
Molecular consequence: missense variant.
Genome position (GRCh38, 1-based): chr1:1,341,717, C>A on the plus strand (G>T on the coding strand, the complement: DVL1 is on the minus strand). VCF-style: chr1-1341717-C-A. GRCh37 (hg19) VCF-style: chr1-1277097-C-A.
Other names: c.555G>T, p.Glu185Asp (NM_004421.3); short protein forms E185D.
Identifiers: ClinVar variation 1991656 (VCV001991656.4), dbSNP rs2100747564, ClinGen allele CA337874146.

ClinVar aggregate classification (germline): Uncertain significance (1 of 4 stars; one submission).

Submission:

Labcorp Genetics (formerly Invitae), Labcorp
Classification: Uncertain significance. Last evaluated: 2022-07-22. Review status: criteria provided, single submitter. Criteria: Invitae Variant Classification Sherloc (09022015). Collection method: clinical testing. Allele origin: germline.
Comment: This sequence change replaces glutamic acid, which is acidic and polar, with aspartic acid, which is acidic and polar, at codon 185 of the DVL1 protein (p.Glu185Asp). In summary, the available evidence is currently insufficient to determine the role of this variant in disease. Therefore, it has been classified as a Variant of Uncertain Significance. Algorithms developed to predict the effect of missense changes on protein structure and function are either unavailable or do not agree on the potential impact of this missense change (SIFT: "Tolerated"; PolyPhen-2: "Possibly Damaging"; Align-GVGD: "Class C0"). This variant has not been reported in the literature in individuals affected with DVL1-related conditions. This variant is not present in population databases (gnomAD no frequency).